The following is an entry in ClinVar:

NM_001374828.1(ARID1B):c.3151C>T (p.Gln1051Ter)

Gene: ARID1B (AT-rich interaction domain 1B; plus strand). Cytogenetic location: 6q25.3.
Variant type: single nucleotide variant.
Coding change: c.3151C>T on transcript NM_001374828.1 (MANE Select); coding-DNA position 3151, C replaced by T.
Protein change: p.Gln1051Ter; replaces glutamine 1051 with a stop codon.
Molecular consequence: nonsense.
Genome position (GRCh38, 1-based): chr6:157,167,101, C>T. VCF-style: chr6-157167101-C-T. GRCh37 (hg19) VCF-style: chr6-157488235-C-T.
Other names: c.2941C>T, p.Gln981Ter (NM_020732.3); c.652C>T, p.Gln218Ter (NM_001363725.2); c.3190C>T, p.Gln1064Ter (NM_001371656.1, NM_001374820.1); c.3151C>T, p.Gln1051Ter (NM_017519.3); short protein forms Q981*, Q218*, Q1051*, Q1064*.
Identifiers: ClinVar variation 242867 (VCV000242867.2), dbSNP rs879253747, ClinGen allele CA10584015.

ClinVar aggregate classification (germline): Pathogenic. Review status: criteria provided, multiple submitters, no conflicts (2 of 4 stars). 2 submissions from 2 submitters: Pathogenic (2). Last evaluated 2025-05-08.

Conditions:
Absent speech. Also called: Absent speech development. Identifiers: MedGen C1854882, HP:0001344.
Moderate intellectual disability. Also called: Moderate ID; Moderae intellectual disability. Identifiers: MedGen C0026351, HP:0002342.
Thick lower lip vermilion. Identifiers: MedGen C1839739, HP:0000179.
Thin upper lip vermilion. Identifiers: MedGen C1865017, HP:0000219.
Blepharophimosis. Also called: Blepharophimosis (disease). Identifiers: MedGen C0005744, MONDO:0001008, HP:0000581.
Long eyelashes. Identifiers: MedGen C1853738, HP:0000527.

Submissions (2):

Labcorp Genetics (formerly Invitae), Labcorp
Classification: Pathogenic. Last evaluated: 2025-05-08. Review status: criteria provided, single submitter. Criteria: Invitae Variant Classification Sherloc (09022015). Collection method: clinical testing. Allele origin: germline.
Comment: This sequence change creates a premature translational stop signal (p.Gln981*) in the ARID1B gene. It is expected to result in an absent or disrupted protein product. Loss-of-function variants in ARID1B are known to be pathogenic (PMID: 25674384, 30349098). This variant is not present in population databases (gnomAD no frequency). This premature translational stop signal has been observed in individual(s) with clinical features of ARID1B-related conditions (PMID: 24674232). ClinVar contains an entry for this variant (Variation ID: 242867). For these reasons, this variant has been classified as Pathogenic.

Lupski Lab, Baylor-Hopkins CMG, Baylor College of Medicine
Classification: Pathogenic for Moderate intellectual disability; Absent speech; Blepharophimosis; Long eyelashes; Thin upper lip vermilion; Thick lower lip vermilion. Last evaluated: 2014-03-27. Review status: criteria provided, single submitter. Criteria: Sim et al. (Orphanet J Rare Dis. 2014). Collection method: clinical testing. Allele origin: de novo. Inheritance: Autosomal dominant inheritance. Affected: yes. Observed: 1 variant allele, 1 heterozygote.

Literature cited by the submitters: PubMed 25674384 (cited by Labcorp Genetics (formerly Invitae), Labcorp); PubMed 30349098 (cited by Labcorp Genetics (formerly Invitae), Labcorp); PubMed 24674232 (cited by Labcorp Genetics (formerly Invitae), Labcorp).